The following is an entry in ClinVar:

ClinVar aggregate classification (germline): Benign/Likely benign. Review status: criteria provided, multiple submitters, no conflicts (2 of 4 stars). 3 submissions from 3 submitters: Benign (2); Likely benign (1). Last evaluated 2022-10-01.

Allele frequency attached by ClinVar (database versions not stated): 1000 Genomes Project 0.00319; 1000 Genomes Project 30x 0.00344; gnomAD 0.00503; TOPMed 0.00552; ESP Exome Variant Server 0.00584; gnomAD exomes 0.00596 and 0.00741; ExAC 0.00610.

Submissions (3):

CeGaT Center for Human Genetics Tuebingen
Classification: Likely benign. Last evaluated: 2022-10-01. Review status: criteria provided, single submitter. Criteria: CeGaT Center For Human Genetics Tuebingen Variant Classification Criteria Version 2. Collection method: clinical testing. Allele origin: germline. Affected: yes. Observed: 1 variant allele.
Comment: CISH: BP4, BP7

Labcorp Genetics (formerly Invitae), Labcorp
Classification: Benign. Last evaluated: 2018-08-15. Review status: criteria provided, single submitter. Criteria: Invitae Variant Classification Sherloc (09022015). Collection method: clinical testing. Allele origin: germline.

Breakthrough Genomics
Classification: Benign. Review status: criteria provided, single submitter. Criteria: ACMG Guidelines, 2015. Collection method: not provided. Allele origin: germline. Inheritance: Unknown mechanism. Affected: yes.

NM_145071.4(CISH):c.519C>T (p.Ser173=)

Gene: CISH (cytokine inducible SH2 containing protein; minus strand). Cytogenetic location: 3p21.2.
Variant type: single nucleotide variant.
Coding change: c.519C>T on transcript NM_145071.4 (MANE Select); coding-DNA position 519, C replaced by T.
Protein change: p.Ser173=; no amino-acid change (serine 173 retained).
Molecular consequence: synonymous variant.
Genome position (GRCh38, 1-based): chr3:50,607,865, G>A on the plus strand (C>T on the coding strand, the complement: CISH is on the minus strand). VCF-style: chr3-50607865-G-A. GRCh37 (hg19) VCF-style: chr3-50645296-G-A.
Other names: c.570C>T, p.Ser190= (NM_013324.7).
Identifiers: ClinVar variation 710598 (VCV000710598.28), dbSNP rs61737505, ClinGen allele CA2419971.